The following is an entry in ClinVar:

ClinVar aggregate classification (germline): Uncertain significance. Review status: criteria provided, multiple submitters, no conflicts (2 of 4 stars). 3 submissions from 3 submitters: Uncertain significance (3). Last evaluated 2025-06-12.

Conditions:
Fanconi anemia complementation group O. Also called: RAD51C-Related Fanconi Anemia. Identifiers: Orphanet 84, MedGen C3150653, MONDO:0013248, OMIM 613390.
Hereditary cancer-predisposing syndrome. Also called: Neoplastic Syndromes, Hereditary; Tumor predisposition; Hereditary Cancer Syndrome; Hereditary neoplastic syndrome. Identifiers: Orphanet 140162, MedGen C0027672, MeSH D009386, MONDO:0015356.

Allele frequency attached by ClinVar (database versions not stated): ExAC 0.00001.

Submissions (3):

Ambry Genetics
Classification: Uncertain significance for Hereditary cancer-predisposing syndrome. Last evaluated: 2025-06-12. Review status: criteria provided, single submitter. Criteria: Ambry Variant Classification Scheme 2023. Collection method: clinical testing. Allele origin: germline.
Comment: The p.M10I variant (also known as c.30G>T), located in coding exon 1 of the RAD51C gene, results from a G to T substitution at nucleotide position 30. The methionine at codon 10 is replaced by isoleucine, an amino acid with highly similar properties. In a homology-directed DNA repair (HDR) assay, this alteration showed a functionally normal read-out (Hu C et al. Cancer Res, 2023 Aug;83:2557-2571). This amino acid position is highly conserved in available vertebrate species. In addition, the in silico prediction for this alteration is inconclusive. Based on the available evidence, the clinical significance of this variant remains unclear.

Labcorp Genetics (formerly Invitae), Labcorp
Classification: Uncertain significance for Fanconi anemia complementation group O. Last evaluated: 2025-05-09. Review status: criteria provided, single submitter. Criteria: Invitae Variant Classification Sherloc (09022015). Collection method: clinical testing. Allele origin: germline.
Comment: This sequence change replaces methionine, which is neutral and non-polar, with isoleucine, which is neutral and non-polar, at codon 10 of the RAD51C protein (p.Met10Ile). This variant is present in population databases (rs775871420, gnomAD 0.0009%). This missense change has been observed in individual(s) with ovarian cancer (PMID: 34326862, 34923718). ClinVar contains an entry for this variant (Variation ID: 538784). An algorithm developed to predict the effect of missense changes on protein structure and function (PolyPhen-2) suggests that this variant is likely to be disruptive. Experimental studies have shown that this missense change does not substantially affect RAD51C function (PMID: 37253112). In summary, the available evidence is currently insufficient to determine the role of this variant in disease. Therefore, it has been classified as a Variant of Uncertain Significance.

Color Diagnostics, LLC DBA Color Health
Classification: Uncertain significance for Hereditary cancer-predisposing syndrome. Last evaluated: 2023-10-30. Review status: criteria provided, single submitter. Criteria: ACMG Guidelines, 2015. Collection method: clinical testing. Allele origin: germline.
Comment: This missense variant replaces methionine with isoleucine at codon 10 of the RAD51C protein. Computational prediction suggests that this variant may not impact protein structure and function (internally defined REVEL score threshold <= 0.5, PMID: 27666373). To our knowledge, functional studies have not been reported for this variant. This variant has not been reported in individuals affected with RAD51C-related disorders in the literature. This variant has been identified in 1/251450 chromosomes in the general population by the Genome Aggregation Database (gnomAD). The available evidence is insufficient to determine the role of this variant in disease conclusively. Therefore, this variant is classified as a Variant of Uncertain Significance.

Literature cited by the submitters: PubMed 37253112 (cited by Ambry Genetics and Labcorp Genetics (formerly Invitae), Labcorp); PubMed 34326862 (cited by Labcorp Genetics (formerly Invitae), Labcorp); PubMed 34923718 (cited by Labcorp Genetics (formerly Invitae), Labcorp).

NM_058216.3(RAD51C):c.30G>T (p.Met10Ile)

Gene: RAD51C (RAD51 paralog C; plus strand). Cytogenetic location: 17q22.
Variant type: single nucleotide variant.
Coding change: c.30G>T on transcript NM_058216.3 (MANE Select); coding-DNA position 30, G replaced by T.
Protein change: p.Met10Ile; replaces methionine 10 with isoleucine.
Molecular consequence: missense variant. On other transcripts: non-coding transcript variant (2).
Genome position (GRCh38, 1-based): chr17:58,692,673, G>T. VCF-style: chr17-58692673-G-T. GRCh37 (hg19) VCF-style: chr17-56770034-G-T.
Other names: c.30G>T, p.Met10Ile (NM_002876.4); short protein forms M10I.
Identifiers: ClinVar variation 538784 (VCV000538784.21), dbSNP rs775871420, ClinGen allele CA8677125.
Genomic context (GRCh38, chr17:58,692,673, plus strand): 5'-GGCTGCTCCGGGGTTAGCAGGTGAGCCTGCGATGCGCGGGAAGACGTTCCGCTTTGAAAT[G>T]CAGCGGGATTTGGTGAGTTTCCCGCTGTCTCCAGCGGTGCGGGTGAAGCTGGTGTCTGCG-3'
Protein context (NP_478123.1, residues 1-20): MRGKTFRFE[Met10Ile]QRDLVSFPLS